The following is an entry in ClinVar:

ClinVar aggregate classification (germline): Likely benign. Review status: criteria provided, multiple submitters, no conflicts (2 of 4 stars). 2 submissions from 2 submitters: Likely benign (2). Last evaluated 2026-01-22.

Conditions:
FREM2-related disorder. Also called: FREM2-related condition.

Allele frequency attached by ClinVar (database versions not stated): TOPMed 0.00001; gnomAD 0.00002; gnomAD exomes 0.00002; ExAC 0.00004.
gnomAD v4.1: 24 of 1,612,224 alleles (0.0015%); highest among the groups gnomAD compares: Admixed American, 0.0084%; no homozygotes.

Submissions (2):

PreventionGenetics, part of Exact Sciences
Classification: Likely benign for FREM2-related condition. Last evaluated: 2026-01-22. Review status: criteria provided, single submitter. Criteria: ACMG Guidelines, 2015. Collection method: clinical testing. Allele origin: germline.
Comment: This variant is classified as likely benign based on ACMG/AMP sequence variant interpretation guidelines (Richards et al. 2015 PMID: 25741868, with internal and published modifications).

Labcorp Genetics (formerly Invitae), Labcorp
Classification: Likely benign. Last evaluated: 2023-11-07. Review status: criteria provided, single submitter. Criteria: Invitae Variant Classification Sherloc (09022015). Collection method: clinical testing. Allele origin: germline.

NM_207361.6(FREM2):c.1581G>A (p.Ser527=)

Gene: FREM2 (FRAS1 related extracellular matrix 2; plus strand). Cytogenetic location: 13q13.3.
Variant type: single nucleotide variant.
Coding change: c.1581G>A on transcript NM_207361.6 (MANE Select); coding-DNA position 1581, G replaced by A.
Protein change: p.Ser527=; no amino-acid change (serine 527 retained).
Molecular consequence: synonymous variant.
Genome position (GRCh38, 1-based): chr13:38,688,925, G>A. VCF-style: chr13-38688925-G-A. GRCh37 (hg19) VCF-style: chr13-39263062-G-A.
Other names: c.1581G>A (NM_207361.5).
Identifiers: ClinVar variation 3012211 (VCV003012211.4), dbSNP rs769424871, ClinGen allele CA6954438.
Genomic context (GRCh38, chr13:38,688,925, plus strand): 5'-TACAGTGGCTGAGCTGGCAGCCGGCCAGGTGGTCTACCAGCATGATGACAGAGACGGCTC[G>A]CTGAGCGACAACCTGGTGCTTCGCATGGTGGATGGAGGAGGCAGGCACCAGGTACAGTTT-3'
Protein context (NP_997244.4, residues 517-537): VVYQHDDRDG[Ser527=]LSDNLVLRMV